The following is an entry in ClinVar:

ClinVar aggregate classification (germline): Benign/Likely benign. Review status: criteria provided, multiple submitters, no conflicts (2 of 4 stars). 8 submissions from 8 submitters: Benign (5); Likely benign (3). Last evaluated 2026-08-01.

Conditions:
Inborn genetic diseases. Identifiers: MedGen C0950123, MeSH D030342.
Developmental and epileptic encephalopathy, 69. Also called: EPILEPTIC ENCEPHALOPATHY, EARLY INFANTILE, 69. Identifiers: MedGen C4748988, MONDO:0032657, OMIM 618285.

Submissions (8):

CeGaT Center for Human Genetics Tuebingen
Classification: Benign. Last evaluated: 2026-08-01. Review status: criteria provided, single submitter. Criteria: CeGaT Center For Human Genetics Tuebingen Variant Classification Criteria Version 2. Collection method: clinical testing. Allele origin: germline. Affected: yes. Observed: 13 variant alleles.
Comment: CACNA1E: BP4, BS1, BS2

Labcorp Genetics (formerly Invitae), Labcorp
Classification: Benign. Last evaluated: 2026-02-03. Review status: criteria provided, single submitter. Criteria: Invitae Variant Classification Sherloc (09022015). Collection method: clinical testing. Allele origin: germline.

Mayo Clinic Laboratories, Mayo Clinic
Classification: Benign. Last evaluated: 2025-06-09. Review status: criteria provided, single submitter. Criteria: ACMG Guidelines, 2015. Collection method: clinical testing. Allele origin: germline. Observed: 1 variant allele.
Comment: BA1

Ambry Genetics
Classification: Likely benign for Inborn genetic diseases. Last evaluated: 2025-03-05. Review status: criteria provided, single submitter. Criteria: Ambry Variant Classification Scheme 2023. Collection method: clinical testing. Allele origin: germline.

Blueprint Genetics
Classification: Likely benign. Last evaluated: 2024-11-11. Review status: criteria provided, single submitter. Criteria: ACMG Guidelines, 2015. Collection method: clinical testing. Allele origin: germline.

Genome-Nilou Lab
Classification: Benign for Developmental and epileptic encephalopathy, 69. Last evaluated: 2023-04-11. Review status: criteria provided, single submitter. Criteria: ACMG Guidelines, 2015. Collection method: clinical testing. Allele origin: germline. Affected: no.

Fulgent Genetics
Classification: Likely benign for Developmental and epileptic encephalopathy, 69. Last evaluated: 2021-10-06. Review status: criteria provided, single submitter. Criteria: ACMG Guidelines, 2015. Collection method: clinical testing. Allele origin: unknown.

GeneDx
Classification: Benign. Last evaluated: 2021-03-26. Review status: criteria provided, single submitter. Criteria: GeneDx Variant Classification Process June 2021. Collection method: clinical testing. Allele origin: germline. Affected: yes.

NM_001205293.3(CACNA1E):c.4882-6_4882-4del

Gene: CACNA1E (calcium voltage-gated channel subunit alpha1 E; plus strand). Cytogenetic location: 1q25.3.
Variant type: Microsatellite.
Coding change: c.4882-6_4882-4del on transcript NM_001205293.3 (MANE Select); 6 bases into the intron before coding-DNA position 4882 through 4 bases into the intron before coding-DNA position 4882, 3 bases deleted (CTC; older notation c.4882-6_4882-4delCTC).
Molecular consequence: intron variant.
Genome position (GRCh38, 1-based): chr1:181,771,287-181,771,289, CTC deleted; deleting any 3 consecutive bases within chr1:181,771,284-181,771,289 gives the same sequence; the c. name uses the placement nearest the transcript's 3' end. VCF-style (leftmost placement, unchanged base first): chr1-181771283-TCTC-T. GRCh37 (hg19) VCF-style: chr1-181740419-TCTC-T.
Other names: p.?; c.4882-6_4882-4del (NM_000721.4); c.4825-6_4825-4del (NM_001205294.2); c.4882-6_4882-4delCTC (NM_001205293.1).
Identifiers: ClinVar variation 1168554 (VCV001168554.40), dbSNP rs560116244, ClinGen allele CA1275966.